The following is an entry in ClinVar:

NM_017547.4(FOXRED1):c.751C>T (p.Gln251Ter)

Gene: FOXRED1 (FAD dependent oxidoreductase domain containing 1; plus strand). Cytogenetic location: 11q24.2.
Variant type: single nucleotide variant.
Coding change: c.751C>T on transcript NM_017547.4 (MANE Select); coding-DNA position 751, C replaced by T.
Protein change: p.Gln251Ter; replaces glutamine 251 with a stop codon.
Molecular consequence: nonsense. On other transcripts: non-coding transcript variant (2).
Genome position (GRCh38, 1-based): chr11:126,275,811, C>T. VCF-style: chr11-126275811-C-T. GRCh37 (hg19) VCF-style: chr11-126145706-C-T.
Other names: c.781C>T, p.Gln261Ter (NM_001425160.1); c.751C>T, p.Gln251Ter (NM_001425161.1, NM_001425163.1, NM_001425165.1 and 1 more transcripts); c.748C>T, p.Gln250Ter (NM_001425164.1); c.649C>T, p.Gln217Ter (NM_001425167.1); c.241C>T, p.Gln81Ter (NM_001425168.1, NM_001425169.1, NM_001425170.1); c.190C>T, p.Gln64Ter (NM_001425171.1, NM_001425172.1); c.118C>T, p.Gln40Ter (NM_001425173.1, NM_001425174.1, NM_001425175.1); short protein forms Q250*, Q251*, Q81*, Q261*, Q217*, Q40*, Q64*.
Identifiers: ClinVar variation 2845014 (VCV002845014.3), dbSNP rs2497190835, ClinGen allele CA383230335.

ClinVar aggregate classification (germline): Pathogenic (1 of 4 stars; one submission).

Submission:

Labcorp Genetics (formerly Invitae), Labcorp
Classification: Pathogenic. Last evaluated: 2023-03-11. Review status: criteria provided, single submitter. Criteria: Invitae Variant Classification Sherloc (09022015). Collection method: clinical testing. Allele origin: germline.
Comment: For these reasons, this variant has been classified as Pathogenic. This variant has not been reported in the literature in individuals affected with FOXRED1-related conditions. This variant is not present in population databases (gnomAD no frequency). This sequence change creates a premature translational stop signal (p.Gln251*) in the FOXRED1 gene. It is expected to result in an absent or disrupted protein product. Loss-of-function variants in FOXRED1 are known to be pathogenic (PMID: 20818383, 20858599).

Literature cited by the submitters: PubMed 20818383; PubMed 20858599.